The following is an entry in ClinVar:

ClinVar aggregate classification (germline): Uncertain significance (1 of 4 stars; one submission).

Conditions:
Neurofibromatosis, type 1 (NF1). Also called: Neurofibromatosis, type I; VON RECKLINGHAUSEN DISEASE; Peripheral type neurofibromatosis; NEUROFIBROMATOSIS, TYPE I, SOMATIC. Identifiers: Orphanet 636, MedGen C0027831, MONDO:0018975, OMIM 162200. Disease mechanism: loss of function.

Submission:

Labcorp Genetics (formerly Invitae), Labcorp
Classification: Uncertain significance for Neurofibromatosis, type 1. Last evaluated: 2023-02-06. Review status: criteria provided, single submitter. Criteria: Invitae Variant Classification Sherloc (09022015). Collection method: clinical testing. Allele origin: germline.
Comment: This sequence change replaces serine, which is neutral and polar, with threonine, which is neutral and polar, at codon 1354 of the NF1 protein (p.Ser1354Thr). This variant is not present in population databases (gnomAD no frequency). This variant has not been reported in the literature in individuals affected with NF1-related conditions. Advanced modeling of protein sequence and biophysical properties (such as structural, functional, and spatial information, amino acid conservation, physicochemical variation, residue mobility, and thermodynamic stability) performed at Invitae indicates that this missense variant is not expected to disrupt NF1 protein function. In summary, the available evidence is currently insufficient to determine the role of this variant in disease. Therefore, it has been classified as a Variant of Uncertain Significance.

NM_001042492.3(NF1):c.4060T>A (p.Ser1354Thr)

Gene: NF1 (neurofibromin 1; plus strand). Cytogenetic location: 17q11.2.
Variant type: single nucleotide variant.
Coding change: c.4060T>A on transcript NM_001042492.3 (MANE Select); coding-DNA position 4060, T replaced by A.
Protein change: p.Ser1354Thr; replaces serine 1354 with threonine.
Molecular consequence: missense variant.
Genome position (GRCh38, 1-based): chr17:31,249,069, T>A. VCF-style: chr17-31249069-T-A. GRCh37 (hg19) VCF-style: chr17-29576087-T-A.
Other names: c.4060T>A, p.Ser1354Thr (NM_000267.4); short protein forms S1354T.
Identifiers: ClinVar variation 2889053 (VCV002889053.3), dbSNP rs2151451505, ClinGen allele CA398994997.